The following is an entry in ClinVar:

ClinVar aggregate classification (germline): Pathogenic. Review status: criteria provided, multiple submitters, no conflicts (2 of 4 stars). 5 submissions from 5 submitters: Pathogenic (5). Last evaluated 2025-01-31.

Conditions:
TP63-related disorder. Also called: TP63-Related Disorders; TP63-related condition. Identifiers: MedGen CN380159.
TP63-Related Spectrum Disorders.
Split hand-foot malformation 4. Also called: Split-Hand/Foot Malformation Type 4 (SHFM4 syndrome); Split-Hand/Foot Malformation Type 4 (SHFM4). Identifiers: Orphanet 2440, MedGen C1854442, MONDO:0011535, OMIM 605289.

Allele frequency attached by ClinVar (database versions not stated): gnomAD exomes below 0.00001.
gnomAD v4.1: 1 of 1,614,012 alleles (0.000062%); highest among the groups gnomAD compares: Non-Finnish European, 0.000085%; no homozygotes.

Submissions (5):

PreventionGenetics, part of Exact Sciences
Classification: Pathogenic for TP63-related condition. Last evaluated: 2025-01-31. Review status: criteria provided, single submitter. Criteria: ACMG Guidelines, 2015. Collection method: clinical testing. Allele origin: germline.
Comment: The TP63 c.956G>A variant is predicted to result in the amino acid substitution p.Arg319His. This variant is alternatively referred to as p.Arg280His and p.Arg225His in the literature. This variant has been reported in individuals with split hand/foot malformation with or without syndactyly, and has been shown to segregate with disease (van Bokhoven et al. 2001. PubMed ID: 11462173; Carter et al. 2017. PubMed ID: 28539665; Bilal et al. 2020. PubMed ID: 32762550; Otsuki et al. 2020. PubMed ID: 33126320; Dai et al. 2011. PubMed ID: 21811974). This variant has not been reported in a large population database (gnomAD), indicating this variant is rare. Alternate nucleotide changes (Ser, Cys, Leu) affecting the same amino acid have been reported in individuals with TP63-related disorders (van Bokhoven et al. 2001. PubMed ID: 11462173, Human Gene Mutation Database). This variant is interpreted as pathogenic.

Key Laboratory in Science and Technology Development Project of Suzhou (CN), Pediatric Orthopedics, Children’s Hospital of Soochow University
Classification: Pathogenic for Split hand-foot malformation 4. Last evaluated: 2025-01-06. Review status: criteria provided, single submitter. Criteria: ACMG Guidelines, 2015. Collection method: research. Allele origin: germline. Affected: yes. Observed: 1 heterozygote. Segregation with disease observed.
Comment: Classified as Pathogenic per ACMG criteria: PS1 (same amino acid change as established pathogenic variant p.Arg319Cys, PMID:11462173), PM2 (absent in gnomAD), PP1 (co-segregated in family), PP3 (predicted deleterious). This variant has been previously reported in patients with SHFM.

Labcorp Genetics (formerly Invitae), Labcorp
Classification: Pathogenic. Last evaluated: 2023-02-03. Review status: criteria provided, single submitter. Criteria: Invitae Variant Classification Sherloc (09022015). Collection method: clinical testing. Allele origin: germline.
Comment: For these reasons, this variant has been classified as Pathogenic. This variant disrupts the p.Arg319 amino acid residue in TP63. Other variant(s) that disrupt this residue have been determined to be pathogenic (PMID: 10839977, 12161593, 18626511). This suggests that this residue is clinically significant, and that variants that disrupt this residue are likely to be disease-causing. Advanced modeling of protein sequence and biophysical properties (such as structural, functional, and spatial information, amino acid conservation, physicochemical variation, residue mobility, and thermodynamic stability) performed at Invitae indicates that this missense variant is expected to disrupt TP63 protein function. ClinVar contains an entry for this variant (Variation ID: 265276). This variant is also known as R280H and R225H. This missense change has been observed in individual(s) with isolated split hand-foot malformation and/or TP63-related conditions (PMID: 11462173, 21811974, 28539665, 32762550, 33126320, 33942288). It has also been observed to segregate with disease in related individuals. This variant is not present in population databases (gnomAD no frequency). This sequence change replaces arginine, which is basic and polar, with histidine, which is basic and polar, at codon 319 of the TP63 protein (p.Arg319His).

GeneDx
Classification: Pathogenic. Last evaluated: 2022-10-28. Review status: criteria provided, single submitter. Criteria: GeneDx Variant Classification Process June 2021. Collection method: clinical testing. Allele origin: germline. Affected: yes.
Comment: Not observed in large population cohorts (gnomAD); In silico analysis supports that this missense variant has a deleterious effect on protein structure/function; This variant is associated with the following publications: (PMID: 28539665, 11462173, 10839977, 28420484, 33942288, 32762550, 33126320, 17224651, 21652629)

Blueprint Genetics
Classification: Pathogenic for TP63-related disorders. Last evaluated: 2021-04-28. Review status: criteria provided, single submitter. Criteria: ACMG Guidelines, 2015. Collection method: clinical testing. Allele origin: germline. Affected: yes. Observed: 2 variant alleles.

Literature cited by the submitters: PubMed 11462173 (cited by Key Laboratory in Science and Technology Development Project of Suzhou (CN), Pediatric Orthopedics, Children’s Hospital of Soochow University and Labcorp Genetics (formerly Invitae), Labcorp); PubMed 10839977 (cited by Labcorp Genetics (formerly Invitae), Labcorp); PubMed 12161593 (cited by Labcorp Genetics (formerly Invitae), Labcorp); PubMed 18626511 (cited by Labcorp Genetics (formerly Invitae), Labcorp); PubMed 21811974 (cited by Labcorp Genetics (formerly Invitae), Labcorp); PubMed 28539665 (cited by Labcorp Genetics (formerly Invitae), Labcorp); PubMed 32762550 (cited by Labcorp Genetics (formerly Invitae), Labcorp); PubMed 33126320 (cited by Labcorp Genetics (formerly Invitae), Labcorp); PubMed 33942288 (cited by Labcorp Genetics (formerly Invitae), Labcorp).

NM_003722.5(TP63):c.956G>A (p.Arg319His)

Gene: TP63 (tumor protein p63; plus strand). Cytogenetic location: 3q28.
Variant type: single nucleotide variant.
Coding change: c.956G>A on transcript NM_003722.5 (MANE Select); coding-DNA position 956, G replaced by A.
Protein change: p.Arg319His; replaces arginine 319 with histidine.
Molecular consequence: missense variant.
Genome position (GRCh38, 1-based): chr3:189,867,906, G>A. VCF-style: chr3-189867906-G-A. GRCh37 (hg19) VCF-style: chr3-189585695-G-A.
Other names: c.956G>A, p.Arg319His (NM_001114978.2, NM_001114979.2, NM_001329144.2 and 1 more transcripts); c.674G>A, p.Arg225His (NM_001114980.2, NM_001114981.2, NM_001114982.2 and 2 more transcripts); c.419G>A, p.Arg140His (NM_001329146.2, NM_001329150.2); c.950G>A, p.Arg317His (NM_001329964.2); short protein forms R319H, R317H, R140H, R225H.
Identifiers: ClinVar variation 265276 (VCV000265276.10), dbSNP rs886039442, ClinGen allele CA10588353.